The following is an entry in ClinVar:

NM_144670.6(A2ML1):c.89G>A (p.Arg30Gln)

Genes: A2ML1 (alpha-2-macroglobulin like 1; plus strand), A2ML1-AS1 (A2ML1 antisense RNA 1; minus strand). Cytogenetic location: 12p13.31.
Variant type: single nucleotide variant.
Coding change: c.89G>A on transcript NM_144670.6 (MANE Select); coding-DNA position 89, G replaced by A.
Protein change: p.Arg30Gln; replaces arginine 30 with glutamine.
Molecular consequence: missense variant.
Genome position (GRCh38, 1-based): chr12:8,823,208, G>A. VCF-style: chr12-8823208-G-A. GRCh37 (hg19) VCF-style: chr12-8975804-G-A.
Other names: short protein forms R30Q.
Identifiers: ClinVar variation 853059 (VCV000853059.14), dbSNP rs756640163, ClinGen allele CA6435168.

ClinVar aggregate classification (germline): Conflicting classifications of pathogenicity. Review status: criteria provided, conflicting classifications (1 of 4 stars). 4 submissions from 4 submitters: Uncertain significance (2); Likely benign (2). Last evaluated 2026-01-25.

Conditions:
Otitis media, susceptibility to (OMS). Also called: COME/ROM; OTITIS MEDIA, CHRONIC/RECURRENT. Identifiers: MedGen C1833692, MONDO:0008162, OMIM 166760.

Allele frequency attached by ClinVar (database versions not stated): gnomAD 0.00003 and 0.00004; gnomAD exomes 0.00005; TOPMed 0.00006; ExAC 0.00007.
gnomAD v4.1: 63 of 1,613,712 alleles (0.0039%); highest among the groups gnomAD compares: African/African-American, 0.0053%; no homozygotes.

Submissions (4):

Labcorp Genetics (formerly Invitae), Labcorp
Classification: Uncertain significance. Last evaluated: 2026-01-25. Review status: criteria provided, single submitter. Criteria: Invitae Variant Classification Sherloc (09022015). Collection method: clinical testing. Allele origin: germline.
Comment: This sequence change replaces arginine, which is basic and polar, with glutamine, which is neutral and polar, at codon 30 of the A2ML1 protein (p.Arg30Gln). This variant is present in population databases (rs756640163, gnomAD 0.009%). This variant has not been reported in the literature in individuals affected with A2ML1-related conditions. ClinVar contains an entry for this variant (Variation ID: 853059). An algorithm developed to predict the effect of missense changes on protein structure and function outputs the following: PolyPhen-2: "Benign". The glutamine amino acid residue is found in multiple mammalian species, which suggests that this missense change does not adversely affect protein function. In summary, the available evidence is currently insufficient to determine the role of this variant in disease. Therefore, it has been classified as a Variant of Uncertain Significance.

Blueprint Genetics
Classification: Likely benign. Last evaluated: 2024-07-02. Review status: criteria provided, single submitter. Criteria: ACMG Guidelines, 2015. Collection method: clinical testing. Allele origin: germline.

Fulgent Genetics
Classification: Uncertain significance for Otitis media, susceptibility to. Last evaluated: 2021-10-22. Review status: criteria provided, single submitter. Criteria: ACMG Guidelines, 2015. Collection method: clinical testing. Allele origin: unknown.

Ambry Genetics
Classification: Likely benign. Last evaluated: 2021-10-11. Review status: criteria provided, single submitter. Criteria: Ambry Variant Classification Scheme 2023. Collection method: clinical testing. Allele origin: germline.